The following is an entry in ClinVar:

ClinVar aggregate classification (germline): Uncertain significance (1 of 4 stars; one submission).

Conditions:
Epidermolysis bullosa simplex with nail dystrophy (EBS5D). Identifiers: MedGen C4225309, MONDO:0014661, OMIM 616487.
Epidermolysis bullosa simplex 5C, with pyloric atresia (EBS5C). Also called: PLEC-Related Epidermolysis Bullosa with Pyloric Atresia; Epidermolysis bullosa simplex with pyloric atresia; PLEC1-Related Epidermolysis Bullosa with Pyloric Atresia. Identifiers: Orphanet 158684, MedGen C2677349, MONDO:0012807, OMIM 612138.
Autosomal recessive limb-girdle muscular dystrophy type 2Q (LGMDR17). Also called: MUSCULAR DYSTROPHY, LIMB-GIRDLE, AUTOSOMAL RECESSIVE 17. Identifiers: Orphanet 254361, MedGen C3150989, MONDO:0013390, OMIM 613723.
Epidermolysis bullosa simplex, Ogna type (EBS5A). Also called: Pidermolysis bullosa simplex 5A, Ogna type; EPIDERMOLYSIS BULLOSA SIMPLEX 5A, OGNA TYPE. Identifiers: Orphanet 79401, MedGen C0432317, MONDO:0007555, OMIM 131950.
Epidermolysis bullosa simplex 5B, with muscular dystrophy (EBS5B). Also called: EPIDERMOLYSIS BULLOSA SIMPLEX AND LIMB-GIRDLE MUSCULAR DYSTROPHY; Epidermolysis bullosa simplex with muscular dystrophy. Identifiers: Orphanet 257, MedGen C2931072, MONDO:0009181, OMIM 226670.

gnomAD v4.1: 4 of 1,610,308 alleles (0.00025%); highest among the groups gnomAD compares: Non-Finnish European, 0.00034%; no homozygotes.

Submission:

Labcorp Genetics (formerly Invitae), Labcorp
Classification: Uncertain significance for Autosomal recessive limb-girdle muscular dystrophy type 2Q; Epidermolysis bullosa simplex, Ogna type; Epidermolysis bullosa simplex with nail dystrophy; Epidermolysis bullosa simplex 5C, with pyloric atresia; Epidermolysis bullosa simplex 5B, with muscular dystrophy. Last evaluated: 2023-06-21. Review status: criteria provided, single submitter. Criteria: Invitae Variant Classification Sherloc (09022015). Collection method: clinical testing. Allele origin: germline.
Comment: This sequence change replaces glutamine, which is neutral and polar, with histidine, which is basic and polar, at codon 2221 of the PLEC protein (p.Gln2221His). This variant is not present in population databases (gnomAD no frequency). This variant has not been reported in the literature in individuals affected with PLEC-related conditions. An algorithm developed to predict the effect of missense changes on protein structure and function (PolyPhen-2) suggests that this variant is likely to be disruptive. In summary, the available evidence is currently insufficient to determine the role of this variant in disease. Therefore, it has been classified as a Variant of Uncertain Significance.

NM_201384.3(PLEC):c.6582G>T (p.Gln2194His)

Gene: PLEC (plectin; minus strand). Cytogenetic location: 8q24.3.
Variant type: single nucleotide variant.
Coding change: c.6582G>T on transcript NM_201384.3 (MANE Select); coding-DNA position 6582, G replaced by T.
Protein change: p.Gln2194His; replaces glutamine 2194 with histidine.
Molecular consequence: missense variant. On other transcripts: intron variant (1).
Genome position (GRCh38, 1-based): chr8:143,923,347, C>A on the plus strand (G>T on the coding strand, the complement: PLEC is on the minus strand). VCF-style: chr8-143923347-C-A. GRCh37 (hg19) VCF-style: chr8-144997515-C-A.
Other names: c.6663G>T, p.Gln2221His (NM_000445.5); c.6540G>T, p.Gln2180His (NM_201378.4); c.6516G>T, p.Gln2172His (NM_201379.3); c.6993G>T, p.Gln2331His (NM_201380.4); c.6486G>T, p.Gln2162His (NM_201381.3); c.6582G>T, p.Gln2194His (NM_201382.4); c.6594G>T, p.Gln2198His (NM_201383.3); c.4126-952G>T (NM_001410941.1); short protein forms Q2180H, Q2221H, Q2162H, Q2172H, Q2194H, Q2331H, Q2198H.
Identifiers: ClinVar variation 2936613 (VCV002936613.3), dbSNP rs1554691975, ClinGen allele CA372533309.